The following is an entry in ClinVar:

ClinVar aggregate classification (germline): Pathogenic (1 of 4 stars; one submission).

Conditions:
Inborn genetic diseases. Identifiers: MedGen C0950123, MeSH D030342.

Submission:

Ambry Genetics
Classification: Pathogenic for Inborn genetic diseases. Last evaluated: 2022-07-18. Review status: criteria provided, single submitter. Criteria: Ambry Variant Classification Scheme 2023. Collection method: clinical testing. Allele origin: germline.
Comment: The c.602_603delCA (p.T201Sfs*22) alteration, located in exon 7 (coding exon 5) of the PHF21A gene, consists of a deletion of 2 nucleotides from position 602 to 603, causing a translational frameshift with a predicted alternate stop codon after 22 amino acids. This alteration is expected to result in loss of function by premature protein truncation or nonsense-mediated mRNA decay. This variant was not reported in population-based cohorts in the Genome Aggregation Database (gnomAD). Based on the available evidence, this alteration is classified as pathogenic.

NM_001352027.3(PHF21A):c.602_603del (p.Thr201fs)

Gene: PHF21A (PHD finger protein 21A; minus strand). Cytogenetic location: 11p11.2.
Variant type: Microsatellite.
Coding change: c.602_603del on transcript NM_001352027.3 (MANE Select); coding-DNA positions 602 to 603, 2 bases deleted (CA; older notation c.602_603delCA).
Protein change: p.Thr201fs; shifts the reading frame from threonine 201.
Molecular consequence: frameshift variant. On other transcripts: non-coding transcript variant (2).
Genome position (GRCh38, 1-based): chr11:45,971,125-45,971,126, TG deleted on the plus strand (CA on the coding strand, the reverse complement: PHF21A is on the minus strand); deleting any 2 consecutive bases within chr11:45,971,125-45,971,129 gives the same sequence; the c. name uses the placement nearest the transcript's 3' end. VCF-style (leftmost placement, unchanged base first): chr11-45971124-CTG-C. GRCh37 (hg19) VCF-style: chr11-45992675-CTG-C.
Other names: c.602_603del, p.Thr201fs (NM_001101802.3, NM_001352025.3, NM_001352026.3 and 5 more transcripts); c.599_600del, p.Thr200fs (NM_001352030.3); short protein forms T201fs, T200fs.
Identifiers: ClinVar variation 2295469 (VCV002295469.2), dbSNP rs2498000107, ClinGen allele CA2580615666.